The following is an entry in ClinVar:

NM_004357.5(CD151):c.757T>C (p.Tyr253His)

Gene: CD151 (CD151 molecule (Raph blood group); plus strand). Cytogenetic location: 11p15.5.
Variant type: single nucleotide variant.
Coding change: c.757T>C on transcript NM_004357.5 (MANE Select); coding-DNA position 757, T replaced by C.
Protein change: p.Tyr253His; replaces tyrosine 253 with histidine.
Molecular consequence: missense variant.
Genome position (GRCh38, 1-based): chr11:838,187, T>C. VCF-style: chr11-838187-T-C. GRCh37 (hg19) VCF-style: chr11-838187-T-C.
Other names: c.757T>C, p.Tyr253His (NM_139029.2, NM_139030.4, NM_001039490.2); short protein forms Y253H.
Identifiers: ClinVar variation 2471890 (VCV002471890.5), dbSNP rs760975473, ClinGen allele CA5792376.

ClinVar aggregate classification (germline): Uncertain significance. Review status: criteria provided, multiple submitters, no conflicts (2 of 4 stars). 2 submissions from 2 submitters: Uncertain significance (2). Last evaluated 2024-01-04.

Conditions:
Inborn genetic diseases. Identifiers: MedGen C0950123, MeSH D030342.

Allele frequency attached by ClinVar (database versions not stated): gnomAD exomes 0.00001; TOPMed 0.00001; ExAC 0.00002; gnomAD 0.00002.

Submissions (2):

Labcorp Genetics (formerly Invitae), Labcorp
Classification: Uncertain significance. Last evaluated: 2024-01-04. Review status: criteria provided, single submitter. Criteria: Invitae Variant Classification Sherloc (09022015). Collection method: clinical testing. Allele origin: germline.
Comment: This sequence change replaces tyrosine, which is neutral and polar, with histidine, which is basic and polar, at codon 253 of the CD151 protein (p.Tyr253His). This variant is present in population databases (rs760975473, gnomAD 0.002%). This variant has not been reported in the literature in individuals affected with CD151-related conditions. ClinVar contains an entry for this variant (Variation ID: 2471890). An algorithm developed to predict the effect of missense changes on protein structure and function (PolyPhen-2) suggests that this variant is likely to be disruptive. In summary, the available evidence is currently insufficient to determine the role of this variant in disease. Therefore, it has been classified as a Variant of Uncertain Significance.

Ambry Genetics
Classification: Uncertain significance for Inborn genetic diseases. Last evaluated: 2023-01-10. Review status: criteria provided, single submitter. Criteria: Ambry Variant Classification Scheme 2023. Collection method: clinical testing. Allele origin: germline.